The following is an entry in ClinVar:

ClinVar aggregate classification (germline): Uncertain significance (1 of 4 stars; one submission).

Conditions:
Epileptic encephalopathy. Identifiers: MedGen C0543888, HP:0200134.

Allele frequency attached by ClinVar (database versions not stated): gnomAD exomes 0.00001.
gnomAD v4.1: 10 of 1,580,152 alleles (0.00063%); highest among the groups gnomAD compares: Non-Finnish European, 0.00077%; no homozygotes.

Submission:

Labcorp Genetics (formerly Invitae), Labcorp
Classification: Uncertain significance for Epileptic encephalopathy. Last evaluated: 2022-12-02. Review status: criteria provided, single submitter. Criteria: Invitae Variant Classification Sherloc (09022015). Collection method: clinical testing. Allele origin: germline.
Comment: In summary, the available evidence is currently insufficient to determine the role of this variant in disease. Therefore, it has been classified as a Variant of Uncertain Significance. Algorithms developed to predict the effect of missense changes on protein structure and function are either unavailable or do not agree on the potential impact of this missense change (SIFT: "Deleterious"; PolyPhen-2: "Benign"; Align-GVGD: "Class C0"). ClinVar contains an entry for this variant (Variation ID: 1007374). This variant has not been reported in the literature in individuals affected with RYR3-related conditions. This variant is present in population databases (no rsID available, gnomAD 0.002%). This sequence change replaces serine, which is neutral and polar, with arginine, which is basic and polar, at codon 2844 of the RYR3 protein (p.Ser2844Arg).

NM_001036.6(RYR3):c.8532T>A (p.Ser2844Arg)

Gene: RYR3 (ryanodine receptor 3; plus strand). Cytogenetic location: 15q14.
Variant type: single nucleotide variant.
Coding change: c.8532T>A on transcript NM_001036.6 (MANE Select); coding-DNA position 8532, T replaced by A.
Protein change: p.Ser2844Arg; replaces serine 2844 with arginine.
Molecular consequence: missense variant.
Genome position (GRCh38, 1-based): chr15:33,756,322, T>A. VCF-style: chr15-33756322-T-A. GRCh37 (hg19) VCF-style: chr15-34048523-T-A.
Other names: c.8532T>A, p.Ser2844Arg (NM_001243996.4); short protein forms S2844R.
Identifiers: ClinVar variation 1007374 (VCV001007374.8), dbSNP rs1052040358, ClinGen allele CA268569900.